The following is an entry in ClinVar:

NM_024675.4(PALB2):c.2022C>T (p.Asp674=)

Gene: PALB2 (partner and localizer of BRCA2; minus strand). Cytogenetic location: 16p12.2.
Variant type: single nucleotide variant.
Coding change: c.2022C>T on transcript NM_024675.4 (MANE Select); coding-DNA position 2022, C replaced by T.
Protein change: p.Asp674=; no amino-acid change (aspartic acid 674 retained).
Molecular consequence: synonymous variant. On other transcripts: intron variant (1).
Genome position (GRCh38, 1-based): chr16:23,630,132, G>A on the plus strand (C>T on the coding strand, the complement: PALB2 is on the minus strand). VCF-style: chr16-23630132-G-A. GRCh37 (hg19) VCF-style: chr16-23641453-G-A.
Other names: c.1962C>T, p.Asp654= (NM_001407296.1); c.2022C>T, p.Asp674= (NM_001407297.1, NM_001407298.1, NM_001407299.1 and 3 more transcripts); c.1137C>T, p.Asp379= (NM_001407304.1, NM_001407305.1, NM_001407306.1 and 5 more transcripts); c.234C>T, p.Asp78= (NM_001407312.1, NM_001407313.1); c.49-857C>T (NM_001407314.1).
Identifiers: ClinVar variation 3618941 (VCV003618941.3).

ClinVar aggregate classification (germline): Benign/Likely benign. Review status: criteria provided, multiple submitters, no conflicts (2 of 4 stars). 2 submissions from 2 submitters: Benign (1); Likely benign (1). Last evaluated 2025-12-20.

Conditions:
Familial cancer of breast. Also called: BREAST CANCER, FAMILIAL; hereditary breast carcinoma; Hereditary breast cancer. Identifiers: Orphanet 227535, MedGen C0346153, MONDO:0016419, OMIM 114480. Disease mechanism: loss of function.

Submissions (2):

Labcorp Genetics (formerly Invitae), Labcorp
Classification: Likely benign for Familial cancer of breast. Last evaluated: 2025-12-20. Review status: criteria provided, single submitter. Criteria: Invitae Variant Classification Sherloc (09022015). Collection method: clinical testing. Allele origin: germline.

Myriad Genetics, Inc.
Classification: Benign for Familial cancer of breast. Last evaluated: 2025-01-15. Review status: criteria provided, single submitter. Criteria: Myriad Autosomal Dominant, Autosomal Recessive and X-Linked Classification Criteria (2023). Collection method: clinical testing. Allele origin: unknown.
Comment: This variant is considered benign. This variant is a silent/synonymous amino acid change and it is not expected to impact splicing.